The following is an entry in ClinVar:

NM_001080.3(ALDH5A1):c.783A>G (p.Arg261=)

Gene: ALDH5A1 (aldehyde dehydrogenase 5 family member A1; plus strand). Cytogenetic location: 6p22.3.
Variant type: single nucleotide variant.
Coding change: c.783A>G on transcript NM_001080.3 (MANE Select); coding-DNA position 783, A replaced by G.
Protein change: p.Arg261=; no amino-acid change (arginine 261 retained).
Molecular consequence: synonymous variant. On other transcripts: intron variant (1).
Genome position (GRCh38, 1-based): chr6:24,515,223, A>G. VCF-style: chr6-24515223-A-G. GRCh37 (hg19) VCF-style: chr6-24515451-A-G.
Other names: c.822A>G, p.Arg274= (NM_170740.1); c.727-5178A>G (NM_001368954.1).
Identifiers: ClinVar variation 759114 (VCV000759114.35), dbSNP rs761068786, ClinGen allele CA3656750.

ClinVar aggregate classification (germline): Likely benign. Review status: criteria provided, multiple submitters, no conflicts (2 of 4 stars). 3 submissions from 3 submitters: Likely benign (3). Last evaluated 2025-10-07.

Conditions:
Succinate-semialdehyde dehydrogenase deficiency (SSADHD). Also called: GABA METABOLIC DEFECT; 4-HYDROXYBUTYRIC ACIDURIA; Succinic Semialdehyde Dehydrogenase Deficiency; SSADH DEFICIENCY. Identifiers: Orphanet 22, MedGen C0268631, MONDO:0010083, OMIM 271980.

Allele frequency attached by ClinVar (database versions not stated): gnomAD 0.00001 and 0.00002; gnomAD exomes 0.00002; TOPMed 0.00002; ExAC 0.00003.
gnomAD v4.1: 32 of 1,612,926 alleles (0.002%); highest among the groups gnomAD compares: South Asian, 0.0033%; no homozygotes.

Submissions (3):

Labcorp Genetics (formerly Invitae), Labcorp
Classification: Likely benign for Succinate-semialdehyde dehydrogenase deficiency. Last evaluated: 2025-10-07. Review status: criteria provided, single submitter. Criteria: Invitae Variant Classification Sherloc (09022015). Collection method: clinical testing. Allele origin: germline.

Blueprint Genetics
Classification: Likely benign. Last evaluated: 2023-12-12. Review status: criteria provided, single submitter. Criteria: ACMG Guidelines, 2015. Collection method: clinical testing. Allele origin: germline.

CeGaT Center for Human Genetics Tuebingen
Classification: Likely benign. Last evaluated: 2023-05-01. Review status: criteria provided, single submitter. Criteria: CeGaT Center For Human Genetics Tuebingen Variant Classification Criteria Version 2. Collection method: clinical testing. Allele origin: germline. Affected: yes. Observed: 1 variant allele.
Comment: ALDH5A1: BP4, BP7